The following is an entry in ClinVar:

NM_001035.3(RYR2):c.6079G>A (p.Gly2027Arg)

Gene: RYR2 (ryanodine receptor 2; plus strand). Cytogenetic location: 1q43.
Variant type: single nucleotide variant.
Coding change: c.6079G>A on transcript NM_001035.3 (MANE Select); coding-DNA position 6079, G replaced by A.
Protein change: p.Gly2027Arg; replaces glycine 2027 with arginine.
Molecular consequence: missense variant.
Genome position (GRCh38, 1-based): chr1:237,625,717, G>A. VCF-style: chr1-237625717-G-A. GRCh37 (hg19) VCF-style: chr1-237789017-G-A.
Other names: c.6079G>A, p.Gly2027Arg (LRG_402t1); short protein forms G2027R.
Identifiers: ClinVar variation 568176 (VCV000568176.7), dbSNP rs1226663873, ClinGen allele CA345408893.
Genomic context (GRCh38, chr1:237,625,717, plus strand): 5'-CTAGGAATTGAGCTGGATGAAGATGGGTCTCTGGATGGAAACAGTGATTTAACAATTAGA[G>A]GGCGTCTGCTATCCCTGGTAGAAAAGGTGACATATCTGAAGAAGAAGCAAGCAGAAAAAC-3'
Protein context (NP_001026.2, residues 2017-2037): LDGNSDLTIR[Gly2027Arg]RLLSLVEKVT

ClinVar aggregate classification (germline): Uncertain significance (1 of 4 stars; one submission).

Conditions:
Catecholaminergic polymorphic ventricular tachycardia 1. Also called: RYR2-Related Catecholaminergic Polymorphic Ventricular Tachycardia; VENTRICULAR TACHYCARDIA, CATECHOLAMINERGIC POLYMORPHIC, 1, WITH OR WITHOUT ATRIAL DYSFUNCTION AND/OR DILATED CARDIOMYOPATHY; VENTRICULAR TACHYCARDIA, STRESS-INDUCED POLYMORPHIC 1. Identifiers: Orphanet 3286, MedGen C1631597, MONDO:0011484, OMIM 604772.

Allele frequency attached by ClinVar (database versions not stated): gnomAD exomes below 0.00001; gnomAD 0.00001 and 0.00002; TOPMed 0.00001.
gnomAD v4.1: 11 of 1,613,632 alleles (0.00068%); highest among the groups gnomAD compares: Middle Eastern, 0.099%; no homozygotes.

Submission:

Labcorp Genetics (formerly Invitae), Labcorp
Classification: Uncertain significance for Catecholaminergic polymorphic ventricular tachycardia 1. Last evaluated: 2025-12-21. Review status: criteria provided, single submitter. Criteria: Invitae Variant Classification Sherloc (09022015). Collection method: clinical testing. Allele origin: germline.
Comment: This sequence change replaces glycine, which is neutral and non-polar, with arginine, which is basic and polar, at codon 2027 of the RYR2 protein (p.Gly2027Arg). This variant is present in population databases (no rsID available, gnomAD 0.0009%). This variant has not been reported in the literature in individuals affected with RYR2-related conditions. ClinVar contains an entry for this variant (Variation ID: 568176). Invitae Evidence Modeling of protein sequence and biophysical properties (such as structural, functional, and spatial information, amino acid conservation, physicochemical variation, residue mobility, and thermodynamic stability) indicates that this missense variant is not expected to disrupt RYR2 protein function with a negative predictive value of 95%. In summary, the available evidence is currently insufficient to determine the role of this variant in disease. Therefore, it has been classified as a Variant of Uncertain Significance.